The following is an entry in ClinVar:

NM_004656.4(BAP1):c.523C>G (p.Pro175Ala)

Gene: BAP1 (BRCA1 associated deubiquitinase 1; minus strand). Cytogenetic location: 3p21.1.
Variant type: single nucleotide variant.
Coding change: c.523C>G on transcript NM_004656.4 (MANE Select); coding-DNA position 523, C replaced by G.
Protein change: p.Pro175Ala; replaces proline 175 with alanine.
Molecular consequence: missense variant.
Genome position (GRCh38, 1-based): chr3:52,407,231, G>C on the plus strand (C>G on the coding strand, the complement: BAP1 is on the minus strand). VCF-style: chr3-52407231-G-C. GRCh37 (hg19) VCF-style: chr3-52441247-G-C.
Other names: c.523C>G, p.Pro175Ala (NM_001410772.1); short protein forms P175A.
Identifiers: ClinVar variation 3652475 (VCV003652475.2).

ClinVar aggregate classification (germline): Uncertain significance (1 of 4 stars; one submission).

Conditions:
BAP1-related tumor predisposition syndrome (TPDS1). Also called: COMMON Syndrome; TUMOR PREDISPOSITION SYNDROME 1; Tumor susceptibility linked to germline BAP1 mutations; BAP1 tumor predisposition syndrome. Identifiers: Orphanet 289539, MedGen C3280492, MONDO:0013692, OMIM 614327.

Submission:

Labcorp Genetics (formerly Invitae), Labcorp
Classification: Uncertain significance for BAP1-related tumor predisposition syndrome. Last evaluated: 2024-05-07. Review status: criteria provided, single submitter. Criteria: Invitae Variant Classification Sherloc (09022015). Collection method: clinical testing. Allele origin: germline.
Comment: This sequence change replaces proline, which is neutral and non-polar, with alanine, which is neutral and non-polar, at codon 175 of the BAP1 protein (p.Pro175Ala). This variant is not present in population databases (gnomAD no frequency). This variant has not been reported in the literature in individuals affected with BAP1-related conditions. Advanced modeling of protein sequence and biophysical properties (such as structural, functional, and spatial information, amino acid conservation, physicochemical variation, residue mobility, and thermodynamic stability) performed at Invitae indicates that this missense variant is expected to disrupt BAP1 protein function with a positive predictive value of 80%. In summary, the available evidence is currently insufficient to determine the role of this variant in disease. Therefore, it has been classified as a Variant of Uncertain Significance.